The following is an entry in ClinVar:

ClinVar aggregate classification (germline): Uncertain significance (1 of 4 stars; one submission).

Submission:

Labcorp Genetics (formerly Invitae), Labcorp
Classification: Uncertain significance. Last evaluated: 2025-02-28. Review status: criteria provided, single submitter. Criteria: Invitae Variant Classification Sherloc (09022015). Collection method: clinical testing. Allele origin: germline.
Comment: This sequence change replaces arginine, which is basic and polar, with glycine, which is neutral and non-polar, at codon 288 of the PMPCA protein (p.Arg288Gly). This variant is not present in population databases (gnomAD no frequency). This variant has not been reported in the literature in individuals affected with PMPCA-related conditions. Invitae Evidence Modeling of protein sequence and biophysical properties (such as structural, functional, and spatial information, amino acid conservation, physicochemical variation, residue mobility, and thermodynamic stability) indicates that this missense variant is not expected to disrupt PMPCA protein function with a negative predictive value of 80%. In summary, the available evidence is currently insufficient to determine the role of this variant in disease. Therefore, it has been classified as a Variant of Uncertain Significance.

NM_015160.3(PMPCA):c.862A>G (p.Arg288Gly)

Gene: PMPCA (peptidase, mitochondrial processing subunit alpha; plus strand). Cytogenetic location: 9q34.3.
Variant type: single nucleotide variant.
Coding change: c.862A>G on transcript NM_015160.3 (MANE Select); coding-DNA position 862, A replaced by G.
Protein change: p.Arg288Gly; replaces arginine 288 with glycine.
Molecular consequence: missense variant.
Genome position (GRCh38, 1-based): chr9:136,417,179, A>G. VCF-style: chr9-136417179-A-G. GRCh37 (hg19) VCF-style: chr9-139311631-A-G.
Other names: c.469A>G, p.Arg157Gly (NM_001282944.2); c.562A>G, p.Arg188Gly (NM_001282946.2); short protein forms R157G, R188G, R288G.
Identifiers: ClinVar variation 4775980 (VCV004775980.1).